The following is an entry in ClinVar:

ClinVar aggregate classification (germline): Uncertain significance (1 of 4 stars; one submission).

Allele frequency attached by ClinVar (database versions not stated): gnomAD exomes below 0.00001; gnomAD 0.00001.
gnomAD v4.1: 2 of 1,613,930 alleles (0.00012%); highest among the groups gnomAD compares: Non-Finnish European, 0.00017%; no homozygotes.

Submission:

Labcorp Genetics (formerly Invitae), Labcorp
Classification: Uncertain significance. Last evaluated: 2024-10-23. Review status: criteria provided, single submitter. Criteria: Invitae Variant Classification Sherloc (09022015). Collection method: clinical testing. Allele origin: germline.
Comment: This sequence change falls in intron 52 of the MTOR gene. It does not directly change the encoded amino acid sequence of the MTOR protein. It affects a nucleotide within the consensus splice site. This variant is present in population databases (no rsID available, gnomAD 0.007%). This variant has not been reported in the literature in individuals affected with MTOR-related conditions. Variants that disrupt the consensus splice site are a relatively common cause of aberrant splicing (PMID: 17576681, 9536098). Algorithms developed to predict the effect of sequence changes on RNA splicing suggest that this variant may disrupt the consensus splice site. In summary, the available evidence is currently insufficient to determine the role of this variant in disease. Therefore, it has been classified as a Variant of Uncertain Significance.

Literature cited by the submitters: PubMed 17576681; PubMed 9536098.

NM_004958.4(MTOR):c.7164+5G>A

Gene: MTOR (mechanistic target of rapamycin kinase; minus strand). Cytogenetic location: 1p36.22.
Variant type: single nucleotide variant.
Coding change: c.7164+5G>A on transcript NM_004958.4 (MANE Select); 5 bases into the intron after coding-DNA position 7164, G replaced by A.
Molecular consequence: intron variant.
Genome position (GRCh38, 1-based): chr1:11,114,808, C>T on the plus strand (G>A on the coding strand, the complement: MTOR is on the minus strand). VCF-style: chr1-11114808-C-T. GRCh37 (hg19) VCF-style: chr1-11174865-C-T.
Other names: c.7164+5G>A (NM_001386500.1); c.5916+5G>A (NM_001386501.1).
Identifiers: ClinVar variation 2981712 (VCV002981712.3), dbSNP rs1187125159, ClinGen allele CA521172737.